The following is an entry in ClinVar:

ClinVar aggregate classification (germline): Likely pathogenic (1 of 4 stars; one submission).

Conditions:
Cobalamin C disease. Also called: Cobalamin-C methylmalonic acidemia and homocystinuria; Methylmalonic acidemia and homocystinuria cblC type; Methylmalonic aciduria with homocystinuria cblC type; Methylmalonic aciduria and homocystinuria, Vitamin B12-responsive; Vitamin B12 metabolic defect with combined deficiency of methylmalonyl-CoA mutase and homocysteine:methyltetrahydrofolate methyltransferase; methylmalonic aciduria and homocystinuria type cblC. Identifiers: Orphanet 26, Orphanet 79282, MedGen C1848561, MONDO:0010184, OMIM 277400.

Submission:

Natera, Inc.
Classification: Likely pathogenic for Methylmalonic aciduria and homocystinuria cblC type. Last evaluated: 2024-12-02. Review status: criteria provided, single submitter. Criteria: Natera Variant Classification Schema (03/2026). Collection method: clinical testing. Allele origin: germline.
Comment: The c.467G>C variant in MMACHC is a missense variant predicted to cause substitution of glycine to alanine at amino acid 156. This variant is rare in the general population with a frequency below the threshold expected for the associated phenotype(s). This variant has been observed in one or more individuals affected with the associated recessive disease, as either homozygous or compound heterozygous with a second variant (PMID: 30157807). A different variant at the same position has been determined to be Pathogenic or Likely Pathogenic. Computational prediction algorithms indicate this variant is likely to affect gene or protein function. Given the available evidence, this variant is classified as Likely Pathogenic.

Literature cited by the submitters: PubMed 30157807.

NM_015506.3(MMACHC):c.467G>C (p.Gly156Ala)

Gene: MMACHC (metabolism of cobalamin associated C; plus strand). Cytogenetic location: 1p34.1.
Variant type: single nucleotide variant.
Coding change: c.467G>C on transcript NM_015506.3 (MANE Select); coding-DNA position 467, G replaced by C.
Protein change: p.Gly156Ala; replaces glycine 156 with alanine.
Molecular consequence: missense variant.
Genome position (GRCh38, 1-based): chr1:45,508,833, G>C. VCF-style: chr1-45508833-G-C. GRCh37 (hg19) VCF-style: chr1-45974505-G-C.
Other names: c.296G>C, p.Gly99Ala (NM_001330540.2); short protein forms G156A, G99A.
Identifiers: ClinVar variation 4815871 (VCV004815871.1).